The following is an entry in ClinVar:

NM_000179.3(MSH6):c.2823T>A (p.Leu941=)

Gene: MSH6 (mutS homolog 6; plus strand). Cytogenetic location: 2p16.3.
Variant type: single nucleotide variant.
Coding change: c.2823T>A on transcript NM_000179.3 (MANE Select); coding-DNA position 2823, T replaced by A.
Protein change: p.Leu941=; no amino-acid change (leucine 941 retained).
Molecular consequence: synonymous variant.
Genome position (GRCh38, 1-based): chr2:47,800,806, T>A. VCF-style: chr2-47800806-T-A. GRCh37 (hg19) VCF-style: chr2-48027945-T-A.
Other names: c.2433T>A, p.Leu811= (NM_001281492.2); c.1917T>A, p.Leu639= (NM_001281493.2, NM_001281494.2).
Identifiers: ClinVar variation 761301 (VCV000761301.15), dbSNP rs1572728834, ClinGen allele CA426121781.

ClinVar aggregate classification (germline): Benign/Likely benign. Review status: criteria provided, multiple submitters, no conflicts (2 of 4 stars). 4 submissions from 4 submitters: Benign (1); Likely benign (3). Last evaluated 2026-01-18.

Conditions:
Lynch syndrome 5 (LYNCH5). Also called: Colorectal cancer, hereditary nonpolyposis, type 5; Hereditary non-polyposis colorectal cancer, type 5. Identifiers: Orphanet 144, MedGen C1833477, MONDO:0013710, OMIM 614350. Disease mechanism: loss of function.
Hereditary nonpolyposis colorectal neoplasms. Identifiers: MedGen C0009405, MeSH D003123.
Hereditary cancer-predisposing syndrome. Also called: Tumor predisposition; Neoplastic Syndromes, Hereditary; Hereditary Cancer Syndrome; Hereditary neoplastic syndrome. Identifiers: Orphanet 140162, MedGen C0027672, MeSH D009386, MONDO:0015356.

Allele frequency attached by ClinVar (database versions not stated): TOPMed below 0.00001.

Submissions (4):

Labcorp Genetics (formerly Invitae), Labcorp
Classification: Likely benign for Hereditary nonpolyposis colorectal neoplasms. Last evaluated: 2026-01-18. Review status: criteria provided, single submitter. Criteria: Invitae Variant Classification Sherloc (09022015). Collection method: clinical testing. Allele origin: germline.

Myriad Genetics, Inc.
Classification: Benign for Lynch syndrome 5. Last evaluated: 2025-01-03. Review status: criteria provided, single submitter. Criteria: Myriad Autosomal Dominant, Autosomal Recessive and X-Linked Classification Criteria (2023). Collection method: clinical testing. Allele origin: unknown.
Comment: This variant is considered benign. This variant is a silent/synonymous amino acid change and it is not expected to impact splicing.

Color Diagnostics, LLC DBA Color Health
Classification: Likely benign for Hereditary cancer-predisposing syndrome. Last evaluated: 2022-06-29. Review status: criteria provided, single submitter. Criteria: ACMG Guidelines, 2015. Collection method: clinical testing. Allele origin: germline.

Ambry Genetics
Classification: Likely benign for Hereditary cancer-predisposing syndrome. Last evaluated: 2021-06-20. Review status: criteria provided, single submitter. Criteria: Ambry Variant Classification Scheme 2023. Collection method: clinical testing. Allele origin: germline.